The following is an entry in ClinVar:

ClinVar aggregate classification (germline): Uncertain significance (1 of 4 stars; one submission).

Conditions:
Beckwith-Wiedemann syndrome (BWS). Also called: EMG SYNDROME; Exomphalos macroglossia gigantism syndrome. Identifiers: Orphanet 116, MedGen C0004903, MONDO:0007534, OMIM 130650.

Allele frequency attached by ClinVar (database versions not stated): gnomAD exomes below 0.00001; gnomAD 0.00001.
gnomAD v4.1: 4 of 1,385,748 alleles (0.00029%); highest among the groups gnomAD compares: East Asian, 0.003%; no homozygotes.

Submission:

Labcorp Genetics (formerly Invitae), Labcorp
Classification: Uncertain significance for Beckwith-Wiedemann syndrome. Last evaluated: 2021-09-30. Review status: criteria provided, single submitter. Criteria: Invitae Variant Classification Sherloc (09022015). Collection method: clinical testing. Allele origin: germline.
Comment: This sequence change affects codon 273 of the CDKN1C mRNA. It is a 'silent' change, meaning that it does not change the encoded amino acid sequence of the CDKN1C protein. This variant is not present in population databases (ExAC no frequency). This variant has not been reported in the literature in individuals with CDKN1C-related disease. ClinVar contains an entry for this variant (Variation ID: 454034). Algorithms developed to predict the effect of sequence changes on RNA splicing suggest that this variant is not likely to affect RNA splicing, but this prediction has not been confirmed by published transcriptional studies. In summary, the available evidence is currently insufficient to determine the role of this variant in disease. Therefore, it has been classified as a Variant of Uncertain Significance.

NM_001122630.2(CDKN1C):c.786C>T (p.Ser262=)

Gene: CDKN1C (cyclin dependent kinase inhibitor 1C; minus strand). Cytogenetic location: 11p15.4.
Variant type: single nucleotide variant.
Coding change: c.786C>T on transcript NM_001122630.2 (MANE Select); coding-DNA position 786, C replaced by T.
Protein change: p.Ser262=; no amino-acid change (serine 262 retained).
Molecular consequence: synonymous variant. On other transcripts: intron variant (1).
Genome position (GRCh38, 1-based): chr11:2,884,671, G>A on the plus strand (C>T on the coding strand, the complement: CDKN1C is on the minus strand). VCF-style: chr11-2884671-G-A. GRCh37 (hg19) VCF-style: chr11-2905901-G-A.
Other names: c.819C>T, p.Ser273= (LRG_533t1, NM_000076.2, NM_001362474.2); c.786C>T, p.Ser262= (NM_001122631.2); c.255+531C>T (NM_001362475.2).
Identifiers: ClinVar variation 454034 (VCV000454034.6), dbSNP rs1430282098, ClinGen allele CA472483271.